The following is an entry in ClinVar:

ClinVar aggregate classification (germline): Benign. Review status: criteria provided, multiple submitters, no conflicts (2 of 4 stars). 2 submissions from 2 submitters: Benign (2). Last evaluated 2018-06-14.

Allele frequency attached by ClinVar (database versions not stated): 1000 Genomes Project 30x 0.05731; 1000 Genomes Project 0.05811; TOPMed 0.09560; gnomAD 0.09925 and 0.10156; ExAC 0.10433; gnomAD exomes 0.10468 and 0.13526; ESP Exome Variant Server 0.10535.

Submissions (2):

GeneDx
Classification: Benign. Last evaluated: 2018-06-14. Review status: criteria provided, single submitter. Criteria: GeneDx Variant Classification (06012015). Collection method: clinical testing. Allele origin: germline. Affected: yes.
Comment: This variant is considered likely benign or benign based on one or more of the following criteria: it is a conservative change, it occurs at a poorly conserved position in the protein, it is predicted to be benign by multiple in silico algorithms, and/or has population frequency not consistent with disease.

Breakthrough Genomics
Classification: Benign. Review status: criteria provided, single submitter. Criteria: ACMG Guidelines, 2015. Collection method: not provided. Allele origin: germline. Inheritance: Autosomal dominant inheritance. Affected: yes.

NM_144670.6(A2ML1):c.3265-35C>T

Gene: A2ML1 (alpha-2-macroglobulin like 1; plus strand). Cytogenetic location: 12p13.31.
Variant type: single nucleotide variant.
Coding change: c.3265-35C>T on transcript NM_144670.6 (MANE Select); 35 bases into the intron before coding-DNA position 3265, C replaced by T.
Molecular consequence: intron variant.
Genome position (GRCh38, 1-based): chr12:8,860,846, C>T. VCF-style: chr12-8860846-C-T. GRCh37 (hg19) VCF-style: chr12-9013442-C-T.
Other names: c.1792-35C>T (NM_001282424.3).
Identifiers: ClinVar variation 561564 (VCV000561564.2), dbSNP rs35198143, ClinGen allele CA6436317.